The following is an entry in ClinVar:

NM_177550.5(SLC13A5):c.716+8C>T

Gene: SLC13A5 (solute carrier family 13 member 5; minus strand). Cytogenetic location: 17p13.1.
Variant type: single nucleotide variant.
Coding change: c.716+8C>T on transcript NM_177550.5 (MANE Select); 8 bases into the intron after coding-DNA position 716, C replaced by T.
Molecular consequence: intron variant.
Genome position (GRCh38, 1-based): chr17:6,702,962, G>A on the plus strand (C>T on the coding strand, the complement: SLC13A5 is on the minus strand). VCF-style: chr17-6702962-G-A. GRCh37 (hg19) VCF-style: chr17-6606281-G-A.
Other names: c.587+8C>T (NM_001284510.2); c.665+8C>T (NM_001284509.2); c.716+8C>T (NM_001143838.3).
Identifiers: ClinVar variation 668351 (VCV000668351.7), dbSNP rs746595823, ClinGen allele CA8331637.
Genomic context (GRCh38, chr17:6,702,962, plus strand): 5'-AGGTGGGCAGGTCCCTCCAGCCCCGGTACCCACTTCGTTGTCCCCAGAAGGTGCGACCAA[G>A]GACTCACTCGTTCATCTGGCCCAGGAGCACCACGTTGGGTCCCGTCCCGGTCAGGGTGGC-3'

ClinVar aggregate classification (germline): Likely benign. Review status: criteria provided, multiple submitters, no conflicts (2 of 4 stars). 3 submissions from 3 submitters: Likely benign (3). Last evaluated 2024-10-31.

Conditions:
Developmental and epileptic encephalopathy, 25 (DEE25). Also called: Epileptic encephalopathy, early infantile, 25; Developmental and epileptic encephalopathy 25, with amelogenesis imperfecta; Epileptic encephalopathy, early infantile, 25, with amelogenesis imperfecta. Identifiers: Orphanet 442835, MedGen C4014621, MONDO:0014392, OMIM 615905.

Allele frequency attached by ClinVar (database versions not stated): gnomAD below 0.00001 and 0.00001; ExAC 0.00002; gnomAD exomes 0.00002 and 0.00004.
gnomAD v4.1: 30 of 1,613,484 alleles (0.0019%); highest among the groups gnomAD compares: South Asian, 0.027%; no homozygotes.

Submissions (3):

Blueprint Genetics
Classification: Likely benign. Last evaluated: 2024-10-31. Review status: criteria provided, single submitter. Criteria: ACMG Guidelines, 2015. Collection method: clinical testing. Allele origin: germline.

Labcorp Genetics (formerly Invitae), Labcorp
Classification: Likely benign for Developmental and epileptic encephalopathy, 25. Last evaluated: 2023-01-28. Review status: criteria provided, single submitter. Criteria: Invitae Variant Classification Sherloc (09022015). Collection method: clinical testing. Allele origin: germline.

GeneDx
Classification: Likely benign. Last evaluated: 2018-05-16. Review status: criteria provided, single submitter. Criteria: GeneDx Variant Classification (06012015). Collection method: clinical testing. Allele origin: germline. Affected: yes.
Comment: This variant is considered likely benign or benign based on one or more of the following criteria: it is a conservative change, it occurs at a poorly conserved position in the protein, it is predicted to be benign by multiple in silico algorithms, and/or has population frequency not consistent with disease.